The following is an entry in ClinVar:

ClinVar aggregate classification (germline): Uncertain significance (1 of 4 stars; one submission).

Conditions:
PDE6B-related disorder. Also called: PDE6B-related disease; PDE6B-related condition; PDE6B-related disorders.

gnomAD v4.1: 8 of 1,612,656 alleles (0.0005%); highest among the groups gnomAD compares: Admixed American, 0.012%; no homozygotes.

Submission:

PreventionGenetics, part of Exact Sciences
Classification: Uncertain significance for PDE6B-related condition. Last evaluated: 2026-02-26. Review status: criteria provided, single submitter. Criteria: ACMG Guidelines, 2015. Collection method: clinical testing. Allele origin: germline.
Comment: The PDE6B c.1108G>A variant is predicted to result in the amino acid substitution p.Glu370Lys. To our knowledge, this variant has not been reported in the literature. This variant is reported in 0.017% of alleles in individuals of Latino descent in gnomAD. At this time, the clinical significance of this variant is uncertain due to the absence of conclusive functional and genetic evidence.

NM_000283.4(PDE6B):c.1108G>A (p.Glu370Lys)

Gene: PDE6B (phosphodiesterase 6B; plus strand). Cytogenetic location: 4p16.3.
Variant type: single nucleotide variant.
Coding change: c.1108G>A on transcript NM_000283.4 (MANE Select); coding-DNA position 1108, G replaced by A.
Protein change: p.Glu370Lys; replaces glutamic acid 370 with lysine.
Molecular consequence: missense variant. On other transcripts: 5 prime UTR variant (1).
Genome position (GRCh38, 1-based): chr4:656,874, G>A. VCF-style: chr4-656874-G-A. GRCh37 (hg19) VCF-style: chr4-650663-G-A.
Other names: c.1108G>A, p.Glu370Lys (NM_001145291.2, NM_001440547.1, NM_001440548.1); c.271G>A, p.Glu91Lys (NM_001145292.2, NM_001350154.3, NM_001379246.1 and 1 more transcripts); c.-48G>A (NM_001350155.3); short protein forms E91K, E370K.
Identifiers: ClinVar variation 4995085 (VCV004995085.1).